The following is an entry in ClinVar:

ClinVar aggregate classification (germline): Uncertain significance (1 of 4 stars; one submission).

Conditions:
Hereditary cancer-predisposing syndrome. Also called: Hereditary neoplastic syndrome; Neoplastic Syndromes, Hereditary; Tumor predisposition; Hereditary Cancer Syndrome. Identifiers: Orphanet 140162, MedGen C0027672, MeSH D009386, MONDO:0015356.

Submission:

Ambry Genetics
Classification: Uncertain significance for Hereditary cancer-predisposing syndrome. Last evaluated: 2025-08-27. Review status: criteria provided, single submitter. Criteria: Ambry Variant Classification Scheme 2023. Collection method: clinical testing. Allele origin: germline.
Comment: The p.Q267H variant (also known as c.801G>T), located in coding exon 10 of the MUTYH gene, results from a G to T substitution at nucleotide position 801. The glutamine at codon 267 is replaced by histidine, an amino acid with highly similar properties. This amino acid position is conserved. In addition, the in silico prediction for this alteration is inconclusive. Based on the available evidence, the clinical significance of this variant remains unclear.

NM_001048174.2(MUTYH):c.717G>T (p.Gln239His)

Gene: MUTYH (mutY DNA glycosylase; minus strand). Cytogenetic location: 1p34.1.
Variant type: single nucleotide variant.
Coding change: c.717G>T on transcript NM_001048174.2 (MANE Select); coding-DNA position 717, G replaced by T.
Protein change: p.Gln239His; replaces glutamine 239 with histidine.
Molecular consequence: missense variant. On other transcripts: non-coding transcript variant (7).
Genome position (GRCh38, 1-based): chr1:45,332,298, C>A on the plus strand (G>T on the coding strand, the complement: MUTYH is on the minus strand). VCF-style: chr1-45332298-C-A. GRCh37 (hg19) VCF-style: chr1-45797970-C-A.
Other names: c.717G>T, p.Gln239His (NM_001048171.2, NM_001048173.2, NM_001293195.2 and 6 more transcripts); c.720G>T, p.Gln240His (NM_001048172.2, NM_001407071.1, NM_001407078.1 and 1 more transcripts); c.801G>T, p.Gln267His (NM_001128425.2); c.762G>T, p.Gln254His (NM_001293190.2); c.750G>T, p.Gln250His (NM_001293191.2, NM_001407069.1, NM_001407077.1); c.441G>T, p.Gln147His (NM_001293192.2, NM_001293196.2, NM_001407091.1); c.372G>T, p.Gln124His (NM_001350650.2, NM_001350651.2, NM_001407082.1); c.633G>T, p.Gln211His (NM_001407075.1); and 5 more; short protein forms Q124H, Q226H, Q250H, Q253H, Q264H, Q267H, Q147H, Q211H.
Identifiers: ClinVar variation 4113851 (VCV004113851.1).